The following is an entry in ClinVar:

ClinVar aggregate classification (germline): Uncertain significance (1 of 4 stars; one submission).

Conditions:
Familial thoracic aortic aneurysm and aortic dissection (TAAD). Also called: Thoracic aortic aneurysms and dissections. Identifiers: Orphanet 91387, MedGen C4707243, MONDO:0019625.

Submission:

Ambry Genetics
Classification: Uncertain significance for Familial thoracic aortic aneurysm and aortic dissection. Last evaluated: 2025-12-16. Review status: criteria provided, single submitter. Criteria: Ambry Variant Classification Scheme 2023. Collection method: clinical testing. Allele origin: germline.
Comment: The p.S178G variant (also known as c.532A>G), located in coding exon 5 of the PLOD1 gene, results from an A to G substitution at nucleotide position 532. The serine at codon 178 is replaced by glycine, an amino acid with similar properties. This amino acid position is conserved. In addition, this alteration is predicted to be tolerated by in silico analysis. Based on the available evidence, the clinical significance of this variant remains unclear.

NM_000302.4(PLOD1):c.532A>G (p.Ser178Gly)

Gene: PLOD1 (procollagen-lysine,2-oxoglutarate 5-dioxygenase 1; plus strand). Cytogenetic location: 1p36.22.
Variant type: single nucleotide variant.
Coding change: c.532A>G on transcript NM_000302.4 (MANE Select); coding-DNA position 532, A replaced by G.
Protein change: p.Ser178Gly; replaces serine 178 with glycine.
Molecular consequence: missense variant.
Genome position (GRCh38, 1-based): chr1:11,952,688, A>G. VCF-style: chr1-11952688-A-G. GRCh37 (hg19) VCF-style: chr1-12012745-A-G.
Other names: c.673A>G, p.Ser225Gly (NM_001316320.2); short protein forms S178G, S225G.
Identifiers: ClinVar variation 4842470 (VCV004842470.1).